The following is an entry in ClinVar:

NM_153240.5(NPHP3):c.3698A>G (p.Lys1233Arg)

Genes: NPHP3 (nephrocystin 3; minus strand), NPHP3-ACAD11 (NPHP3-ACAD11 readthrough (NMD candidate); minus strand). Cytogenetic location: 3q22.1.
Variant type: single nucleotide variant.
Coding change: c.3698A>G on transcript NM_153240.5 (MANE Select); coding-DNA position 3698, A replaced by G.
Protein change: p.Lys1233Arg; replaces lysine 1233 with arginine.
Molecular consequence: missense variant. On other transcripts: non-coding transcript variant (1).
Genome position (GRCh38, 1-based): chr3:132,682,817, T>C on the plus strand (A>G on the coding strand, the complement: NPHP3 is on the minus strand). VCF-style: chr3-132682817-T-C. GRCh37 (hg19) VCF-style: chr3-132401661-T-C.
Other names: short protein forms K1233R.
Identifiers: ClinVar variation 1440807 (VCV001440807.5), dbSNP rs2107961440, ClinGen allele CA354578414.

ClinVar aggregate classification (germline): Uncertain significance (1 of 4 stars; one submission).

Conditions:
Nephronophthisis. Also called: Juvenile Nephronophthisis. Identifiers: Orphanet 655, MedGen C0687120, MONDO:0019005, HP:0000090.

Allele frequency attached by ClinVar (database versions not stated): gnomAD exomes below 0.00001.
gnomAD v4.1: 2 of 1,590,932 alleles (0.00013%); highest among the groups gnomAD compares: Non-Finnish European, 0.00017%; no homozygotes.

Submission:

Labcorp Genetics (formerly Invitae), Labcorp
Classification: Uncertain significance for Nephronophthisis. Last evaluated: 2023-08-17. Review status: criteria provided, single submitter. Criteria: Invitae Variant Classification Sherloc (09022015). Collection method: clinical testing. Allele origin: germline.
Comment: This sequence change replaces lysine, which is basic and polar, with arginine, which is basic and polar, at codon 1233 of the NPHP3 protein (p.Lys1233Arg). In summary, the available evidence is currently insufficient to determine the role of this variant in disease. Therefore, it has been classified as a Variant of Uncertain Significance. Algorithms developed to predict the effect of sequence changes on RNA splicing suggest that this variant may create or strengthen a splice site. An algorithm developed to predict the effect of missense changes on protein structure and function (PolyPhen-2) suggests that this variant¬†is likely to be tolerated. ClinVar contains an entry for this variant (Variation ID: 1440807). This variant has not been reported in the literature in individuals affected with NPHP3-related conditions. This variant is not present in population databases (gnomAD no frequency).